The following is an entry in ClinVar:

NM_024675.4(PALB2):c.3233G>C (p.Cys1078Ser)

Gene: PALB2 (partner and localizer of BRCA2; minus strand). Cytogenetic location: 16p12.2.
Variant type: single nucleotide variant.
Coding change: c.3233G>C on transcript NM_024675.4 (MANE Select); coding-DNA position 3233, G replaced by C.
Protein change: p.Cys1078Ser; replaces cysteine 1078 with serine.
Molecular consequence: missense variant.
Genome position (GRCh38, 1-based): chr16:23,607,981, C>G on the plus strand (G>C on the coding strand, the complement: PALB2 is on the minus strand). VCF-style: chr16-23607981-C-G. GRCh37 (hg19) VCF-style: chr16-23619302-C-G.
Other names: short protein forms C1078S.
Identifiers: ClinVar variation 584900 (VCV000584900.18), dbSNP rs1567206945, ClinGen allele CA395139972.

ClinVar aggregate classification (germline): Uncertain significance. Review status: criteria provided, multiple submitters, no conflicts (2 of 4 stars). 3 submissions from 3 submitters: Uncertain significance (3). Last evaluated 2025-08-09.

Conditions:
Hereditary cancer-predisposing syndrome. Also called: Tumor predisposition; Neoplastic Syndromes, Hereditary; Hereditary neoplastic syndrome; Hereditary Cancer Syndrome. Identifiers: Orphanet 140162, MedGen C0027672, MeSH D009386, MONDO:0015356.
Familial cancer of breast. Also called: Hereditary breast cancer; hereditary breast carcinoma; BREAST CANCER, FAMILIAL. Identifiers: Orphanet 227535, MedGen C0346153, MONDO:0016419, OMIM 114480. Disease mechanism: loss of function.

Allele frequency attached by ClinVar (database versions not stated): TOPMed 0.00001.

Submissions (3):

Ambry Genetics
Classification: Uncertain significance for Hereditary cancer-predisposing syndrome. Last evaluated: 2025-08-09. Review status: criteria provided, single submitter. Criteria: Ambry Variant Classification Scheme 2023. Collection method: clinical testing. Allele origin: germline.
Comment: The p.C1078S variant (also known as c.3233G>C), located in coding exon 12 of the PALB2 gene, results from a G to C substitution at nucleotide position 3233. The cysteine at codon 1078 is replaced by serine, an amino acid with dissimilar properties. In addition, this alteration is predicted to be tolerated by in silico analysis. Since supporting evidence is limited at this time, the clinical significance of this alteration remains unclear.

Labcorp Genetics (formerly Invitae), Labcorp
Classification: Uncertain significance for Familial cancer of breast. Last evaluated: 2025-02-19. Review status: criteria provided, single submitter. Criteria: Invitae Variant Classification Sherloc (09022015). Collection method: clinical testing. Allele origin: germline.
Comment: This sequence change replaces cysteine, which is neutral and slightly polar, with serine, which is neutral and polar, at codon 1078 of the PALB2 protein (p.Cys1078Ser). This variant is not present in population databases (gnomAD no frequency). This missense change has been observed in individual(s) with breast cancer (PMID: 30638972, 35264596). ClinVar contains an entry for this variant (Variation ID: 584900). An algorithm developed to predict the effect of missense changes on protein structure and function (PolyPhen-2) suggests that this variant is likely to be disruptive. In summary, the available evidence is currently insufficient to determine the role of this variant in disease. Therefore, it has been classified as a Variant of Uncertain Significance.

Mendelics
Classification: Uncertain significance for Hereditary cancer-predisposing syndrome. Last evaluated: 2018-07-02. Review status: criteria provided, single submitter. Criteria: Mendelics Assertion Criteria 2017. Collection method: clinical testing. Allele origin: unknown.

Literature cited by the submitters: PubMed 30638972 (cited by Labcorp Genetics (formerly Invitae), Labcorp); PubMed 35264596 (cited by Labcorp Genetics (formerly Invitae), Labcorp).